The following is an entry in ClinVar:

NM_000238.4(KCNH2):c.1969G>T (p.Gly657Cys)

Gene: KCNH2 (potassium voltage-gated channel subfamily H member 2; minus strand). Cytogenetic location: 7q36.1.
Variant type: single nucleotide variant.
Coding change: c.1969G>T on transcript NM_000238.4 (MANE Select); coding-DNA position 1969, G replaced by T.
Protein change: p.Gly657Cys; replaces glycine 657 with cysteine.
Molecular consequence: missense variant.
Genome position (GRCh38, 1-based): chr7:150,951,097, C>A on the plus strand (G>T on the coding strand, the complement: KCNH2 is on the minus strand). VCF-style: chr7-150951097-C-A. GRCh37 (hg19) VCF-style: chr7-150648185-C-A.
Other names: c.1969G>T (LRG_288t1); c.949G>T, p.Gly317Cys (NM_001204798.2, NM_172057.3); c.1681G>T, p.Gly561Cys (NM_001406753.1, NM_001406756.1); c.1792G>T, p.Gly598Cys (NM_001406755.1); c.1669G>T, p.Gly557Cys (NM_001406757.1); c.1969G>T, p.Gly657Cys (NM_172056.3); short protein forms G317C, G657C, G557C, G598C, G561C.
Identifiers: ClinVar variation 67350 (VCV000067350.3), dbSNP rs199472978, ClinGen allele CA006126.

ClinVar aggregate classification (germline): not provided (0 of 4 stars; one submission).

Conditions:
Familial long QT syndrome (RWS). Also called: Congenital long QT syndrome; Romano-Ward syndrome; VENTRICULAR FIBRILLATION WITH PROLONGED QT INTERVAL. Identifiers: Orphanet 768, MedGen C1141890, MONDO:0019171.

Submission:

Cardiovascular Biomedical Research Unit, Royal Brompton & Harefield NHS Foundation Trust
No classification provided. Condition: Familial long QT syndrome. Review status: no classification provided. Collection method: literature only. Allele origin: germline.
Comment: This variant has been reported as associated with Long QT syndrome in the following publications (PMID:16244680;PMID:18752142;PMID:19862833). This is a literature report, and does not necessarily reflect the clinical interpretation of the Imperial College / Royal Brompton Cardiovascular Genetics laboratory.

Literature cited by the submitters: PubMed 16244680; PubMed 18752142; PubMed 19862833; PubMed 22581653.